The following is an entry in ClinVar:

ClinVar aggregate classification (germline): Uncertain significance (1 of 4 stars; one submission).

Conditions:
Beckwith-Wiedemann syndrome (BWS). Also called: Exomphalos macroglossia gigantism syndrome; EMG SYNDROME. Identifiers: Orphanet 116, MedGen C0004903, MONDO:0007534, OMIM 130650.

Submission:

Labcorp Genetics (formerly Invitae), Labcorp
Classification: Uncertain significance for Beckwith-Wiedemann syndrome. Last evaluated: 2020-09-16. Review status: criteria provided, single submitter. Criteria: Invitae Variant Classification Sherloc (09022015). Collection method: clinical testing. Allele origin: germline.
Comment: In summary, the available evidence is currently insufficient to determine the role of this variant in disease. Therefore, it has been classified as a Variant of Uncertain Significance. This sequence change affects an acceptor splice site in the last intron (intron 1) of the CDKN1C gene. While this is not anticipated to result in nonsense mediated decay, it likely alters RNA splicing and results in a disrupted protein product. The frequency data for this variant in the population databases is considered unreliable, as metrics indicate insufficient coverage at this position in the ExAC database. This variant has been observed to be maternally inherited in an individual with Beckwith-Wiedemann syndrome (PMID: 20503313). Nucleotide substitutions within the consensus splice site are a relatively common cause of aberrant splicing (PMID: 17576681, 9536098). Algorithms developed to predict the effect of sequence changes on RNA splicing suggest that this variant may disrupt the consensus splice site, but this prediction has not been confirmed by published transcriptional studies.

Literature cited by the submitters: PubMed 20503313; PubMed 17576681; PubMed 9536098.

NM_001122630.2(CDKN1C):c.788-2A>G

Gene: CDKN1C (cyclin dependent kinase inhibitor 1C; minus strand). Cytogenetic location: 11p15.4.
Variant type: single nucleotide variant.
Coding change: c.788-2A>G on transcript NM_001122630.2 (MANE Select); the canonical splice acceptor site of the intron before coding-DNA position 788, A replaced by G.
Molecular consequence: splice acceptor variant.
Genome position (GRCh38, 1-based): chr11:2,884,136, T>C on the plus strand (A>G on the coding strand, the complement: CDKN1C is on the minus strand). VCF-style: chr11-2884136-T-C. GRCh37 (hg19) VCF-style: chr11-2905366-T-C.
Other names: c.256-2A>G (NM_001362475.2); c.788-2A>G (NM_001122631.2); c.821-2A>G (NM_001362474.2, NM_000076.2).
Identifiers: ClinVar variation 1057759 (VCV001057759.9), dbSNP rs2133780388, ClinGen allele CA379145176.